The following is an entry in ClinVar:

NM_022773.4(LMF1):c.946_947del (p.Met316fs)

Gene: LMF1 (lipase maturation factor 1; minus strand). Cytogenetic location: 16p13.3.
Variant type: Deletion.
Coding change: c.946_947del on transcript NM_022773.4 (MANE Select); coding-DNA positions 946 to 947, 2 bases deleted (AT; older notation c.946_947delAT).
Protein change: p.Met316fs; shifts the reading frame from methionine 316.
Molecular consequence: frameshift variant. On other transcripts: non-coding transcript variant (1).
Genome position (GRCh38, 1-based): chr16:871,292-871,293, AT deleted on the plus strand (AT on the coding strand, the reverse complement: LMF1 is on the minus strand); deleting any 2 consecutive bases within chr16:871,292-871,294 gives the same sequence; the c. name uses the placement nearest the transcript's 3' end. VCF-style (leftmost placement, unchanged base first): chr16-871291-CAT-C. GRCh37 (hg19) VCF-style: chr16-921291-CAT-C.
Other names: c.295_296del, p.Met99fs (NM_001352017.2, NM_001352021.2); c.547_548del, p.Met183fs (NM_001352018.2); c.619_620del, p.Met207fs (NM_001352019.2); c.946_947del, p.Met316fs (NM_001352020.1); short protein forms M316fs, M99fs, M207fs, M183fs.
Identifiers: ClinVar variation 3645095 (VCV003645095.2).

ClinVar aggregate classification (germline): Pathogenic (1 of 4 stars; one submission).

Submission:

Labcorp Genetics (formerly Invitae), Labcorp
Classification: Pathogenic. Last evaluated: 2024-03-07. Review status: criteria provided, single submitter. Criteria: Invitae Variant Classification Sherloc (09022015). Collection method: clinical testing. Allele origin: germline.
Comment: This sequence change creates a premature translational stop signal (p.Met316Glyfs*8) in the LMF1 gene. It is expected to result in an absent or disrupted protein product. Loss-of-function variants in LMF1 are known to be pathogenic (PMID: 17994020, 19820022, 22239554). This variant is not present in population databases (gnomAD no frequency). This variant has not been reported in the literature in individuals affected with LMF1-related conditions. Algorithms developed to predict the effect of sequence changes on RNA splicing suggest that this variant may disrupt the consensus splice site. For these reasons, this variant has been classified as Pathogenic.

Literature cited by the submitters: PubMed 17994020; PubMed 19820022; PubMed 22239554.